The following is an entry in ClinVar:

NM_001385449.1(RTL9):c.1915G>A (p.Ala639Thr)

Gene: RTL9 (retrotransposon Gag like 9; plus strand). Cytogenetic location: Xq23.
Variant type: single nucleotide variant.
Coding change: c.1915G>A on transcript NM_001385449.1 (MANE Select); coding-DNA position 1915, G replaced by A.
Protein change: p.Ala639Thr; replaces alanine 639 with threonine.
Molecular consequence: missense variant.
Genome position (GRCh38, 1-based): chrX:110,452,532, G>A. VCF-style: chrX-110452532-G-A. GRCh37 (hg19) VCF-style: chrX-109695760-G-A.
Other names: c.1915G>A, p.Ala639Thr (NM_020769.2); short protein forms A639T.
Identifiers: ClinVar variation 4580133 (VCV004580133.1).

ClinVar aggregate classification (germline): Uncertain significance (1 of 4 stars; one submission).

Submission:

Ambry Genetics
Classification: Uncertain significance. Last evaluated: 2025-11-24. Review status: criteria provided, single submitter. Criteria: Ambry Variant Classification Scheme 2023. Collection method: clinical testing. Allele origin: germline.
Comment: The c.1915G>A (p.A639T) alteration is located in exon 3 (coding exon 1) of the RGAG1 gene. This alteration results from a G to A substitution at nucleotide position 1915, causing the alanine (A) at amino acid position 639 to be replaced by a threonine (T). Based on data from gnomAD, the A allele has an overall frequency of <0.001% (1/182810) total alleles studied. The highest observed frequency was 0.001% (1/81323) of European (non-Finnish) alleles. Based on insufficient or conflicting evidence, the clinical significance of this alteration remains unclear.